The following is an entry in ClinVar:

NM_003060.4(SLC22A5):c.602T>C (p.Val201Ala)

Gene: SLC22A5 (solute carrier family 22 member 5; plus strand). Cytogenetic location: 5q31.1.
Variant type: single nucleotide variant.
Coding change: c.602T>C on transcript NM_003060.4 (MANE Select); coding-DNA position 602, T replaced by C.
Protein change: p.Val201Ala; replaces valine 201 with alanine.
Molecular consequence: missense variant.
Genome position (GRCh38, 1-based): chr5:132,384,251, T>C. VCF-style: chr5-132384251-T-C. GRCh37 (hg19) VCF-style: chr5-131719943-T-C.
Other names: c.674T>C, p.Val225Ala (NM_001308122.2); short protein forms V201A, V225A.
Identifiers: ClinVar variation 2059624 (VCV002059624.4), dbSNP rs2532117536, ClinGen allele CA360804827.
Genomic context (GRCh38, chr5:132,384,251, plus strand): 5'-CAGGCTTCAGCTTCCTGCAGATCTTCTCGAAGAATTTTGAGATGTTTGTCGTGCTGTTTG[T>C]CCTTGTAGGCATGGGCCAGATCTCCAACTATGTGGCAGCATTTGTCCTGGGTATGGCCAT-3'
Protein context (NP_003051.1, residues 191-211): KNFEMFVVLF[Val201Ala]LVGMGQISNY

ClinVar aggregate classification (germline): Uncertain significance (1 of 4 stars; one submission).

Conditions:
Renal carnitine transport defect (CDSP). Also called: Primary carnitine deficiency; Systemic primary carnitine deficiency; Carnitine transporter deficiency; Carnitine Deficiency, Systemic; Systemic primary carnitine deficiency disease; CARNITINE DEFICIENCY, SYSTEMIC, DUE TO DEFECT IN RENAL REABSORPTION OF CARNITINE. Identifiers: Orphanet 158, MedGen C0342788, MONDO:0008919, OMIM 212140.

Submission:

Labcorp Genetics (formerly Invitae), Labcorp
Classification: Uncertain significance for Renal carnitine transport defect. Last evaluated: 2022-08-15. Review status: criteria provided, single submitter. Criteria: Invitae Variant Classification Sherloc (09022015). Collection method: clinical testing. Allele origin: germline.
Comment: This sequence change replaces valine, which is neutral and non-polar, with alanine, which is neutral and non-polar, at codon 201 of the SLC22A5 protein (p.Val201Ala). This variant is not present in population databases (gnomAD no frequency). This variant has not been reported in the literature in individuals affected with SLC22A5-related conditions. Advanced modeling of protein sequence and biophysical properties (such as structural, functional, and spatial information, amino acid conservation, physicochemical variation, residue mobility, and thermodynamic stability) performed at Invitae indicates that this missense variant is not expected to disrupt SLC22A5 protein function. In summary, the available evidence is currently insufficient to determine the role of this variant in disease. Therefore, it has been classified as a Variant of Uncertain Significance.